The following is an entry in ClinVar:

ClinVar aggregate classification (germline): Benign. Review status: criteria provided, multiple submitters, no conflicts (2 of 4 stars). 2 submissions from 2 submitters: Benign (2). Last evaluated 2018-01-12.

Conditions:
Congenital defect of folate absorption. Also called: Hereditary Folate Malabsorption. Identifiers: Orphanet 90045, MedGen C0342705, MONDO:0009238, OMIM 229050.

Allele frequency attached by ClinVar (database versions not stated): gnomAD exomes 0.56734; gnomAD 0.59018 and 0.59034; 1000 Genomes Project 0.61202; TOPMed 0.61223; 1000 Genomes Project 30x 0.61883.
gnomAD v4.1: 335,904 of 585,312 alleles (57%); highest among the groups gnomAD compares: East Asian, 75%; 98,201 homozygotes.

Submissions (2):

Illumina Laboratory Services, Illumina
Classification: Benign for Congenital defect of folate absorption. Last evaluated: 2018-01-12. Review status: criteria provided, single submitter. Criteria: ICSL Variant Classification Criteria 13 December 2019. Collection method: clinical testing. Allele origin: germline.
Comment: This variant was observed in the ICSL laboratory as part of a predisposition screen in an ostensibly healthy population. It had not been previously curated by ICSL or reported in the Human Gene Mutation Database (HGMD: prior to June 1st, 2018), and was therefore a candidate for classification through an automated scoring system. Utilizing variant allele frequency, disease prevalence and penetrance estimates, and inheritance mode, an automated score was calculated to assess if this variant is too frequent to cause the disease. Based on the score and internal cut-off values, a variant classified as benign is not then subjected to further curation. The score for this variant resulted in a classification of benign for this disease.

Breakthrough Genomics
Classification: Benign. Review status: criteria provided, single submitter. Criteria: ACMG Guidelines, 2015. Collection method: not provided. Allele origin: germline. Inheritance: Autosomal recessive inheritance. Affected: yes.

NM_080669.6(SLC46A1):c.*3947G>A

Genes: SARM1 (sterile alpha and TIR motif containing 1; plus strand), SLC46A1 (solute carrier family 46 member 1; minus strand). Cytogenetic location: 17q11.2.
Variant type: single nucleotide variant.
Coding change: c.*3947G>A on transcript NM_080669.6 (MANE Select); 3947 bases downstream of the stop codon, G replaced by A.
Molecular consequence: 3 prime UTR variant. On other transcripts: intron variant (1).
Genome position (GRCh38, 1-based): chr17:28,395,709, C>T on the plus strand (G>A on the coding strand, the complement: SLC46A1 is on the minus strand). VCF-style: chr17-28395709-C-T. GRCh37 (hg19) VCF-style: chr17-26722728-C-T.
Other names: c.*3947G>A (NM_001242366.3); c.1924-196C>T (NM_015077.4).
Identifiers: ClinVar variation 322348 (VCV000322348.6), dbSNP rs8081240, ClinGen allele CA10649767.